The following is an entry in ClinVar:

NM_002830.4(PTPN4):c.629del (p.Thr210fs)

Gene: PTPN4 (protein tyrosine phosphatase non-receptor type 4; plus strand). Cytogenetic location: 2q14.2.
Variant type: Deletion.
Coding change: c.629del on transcript NM_002830.4 (MANE Select); coding-DNA position 629, one base deleted (C; older notation c.629delC).
Protein change: p.Thr210fs; shifts the reading frame from threonine 210.
Molecular consequence: frameshift variant.
Genome position (GRCh38, 1-based): chr2:119,885,836, C deleted. VCF-style (leftmost placement, unchanged base first): chr2-119885835-AC-A. GRCh37 (hg19) VCF-style: chr2-120643411-AC-A.
Other names: short protein forms T210fs.
Identifiers: ClinVar variation 3775489 (VCV003775489.1).

ClinVar aggregate classification (germline): Likely pathogenic (1 of 4 stars; one submission).

Conditions:
PTPN4-related Neurodevelopmental Disorder.

Submission:

3billion
Classification: Likely pathogenic for PTPN4-related neurodevelopmental disorder. Last evaluated: 2023-12-19. Review status: criteria provided, single submitter. Criteria: ACMG Guidelines, 2015. Collection method: clinical testing. Allele origin: germline. Affected: yes.
Comment: The variant is not observed in the gnomAD v2.1.1 dataset. Predicted Consequence/Location: Frameshift: predicted to result in a loss or disruption of normal protein function through nonsense-mediated decay (NMD) or protein truncation. Stop gained variant or frameshift variantin the PTPN4 gene were reported in patients with neurodevelopmental disorder (PMID: 34527963) Therefore, this variant is classified as VUS according to the recommendation of ACMG/AMP guideline.